The following is an entry in ClinVar:

NM_173076.3(ABCA12):c.6858del (p.Phe2286fs)

Genes: ABCA12 (ATP binding cassette subfamily A member 12; minus strand), SNHG31 (small nucleolar RNA host gene 31; plus strand). Cytogenetic location: 2q35.
Variant type: Deletion.
Coding change: c.6858del on transcript NM_173076.3 (MANE Select); coding-DNA position 6858, one base deleted (T; older notation c.6858delT).
Protein change: p.Phe2286fs; shifts the reading frame from phenylalanine 2286.
Molecular consequence: frameshift variant. On other transcripts: non-coding transcript variant (1).
Genome position (GRCh38, 1-based): chr2:214,949,144, A deleted on the plus strand (T on the coding strand, the reverse complement: ABCA12 is on the minus strand); the first of 4 consecutive A bases (chr2:214,949,144-214,949,147); deleting any one gives the same sequence. VCF-style (leftmost placement, unchanged base first): chr2-214949143-CA-C. GRCh37 (hg19) VCF-style: chr2-215813867-CA-C.
Other names: c.5904del, p.Phe1968fs (NM_015657.4); short protein forms F1968fs, F2286fs.
Identifiers: ClinVar variation 2734375 (VCV002734375.4), dbSNP rs751949857, ClinGen allele CA2090803.

ClinVar aggregate classification (germline): Pathogenic. Review status: criteria provided, multiple submitters, no conflicts (2 of 4 stars). 2 submissions from 2 submitters: Pathogenic (2). Last evaluated 2025-12-10.

Conditions:
Autosomal recessive congenital ichthyosis 4A (LI2). Also called: ICHTHYOSIS CONGENITA IIB. Identifiers: Orphanet 313, MedGen C1832550, MONDO:0011026, OMIM 601277.
Autosomal recessive congenital ichthyosis 4B (ARCI4B). Also called: HARLEQUIN ICHTHYOSIS; ICHTHYOSIS CONGENITA, HARLEQUIN FETUS TYPE; Ichthyosis, congenital, autosomal recessive 4B (harlequin); Harlequin Fetus. Identifiers: Orphanet 457, MedGen C0598226, MONDO:0009443, OMIM 242500.

Submissions (2):

Labcorp Genetics (formerly Invitae), Labcorp
Classification: Pathogenic. Last evaluated: 2025-12-10. Review status: criteria provided, single submitter. Criteria: Invitae Variant Classification Sherloc (09022015). Collection method: clinical testing. Allele origin: germline.
Comment: This sequence change creates a premature translational stop signal (p.Phe2286Leufs*6) in the ABCA12 gene. It is expected to result in an absent or disrupted protein product. Loss-of-function variants in ABCA12 are known to be pathogenic (PMID: 20672373). This variant is present in population databases (rs751949857, gnomAD 0.03%). This premature translational stop signal has been observed in individual(s) with congenital ichthyosis (PMID: 22992804, 29298786). ClinVar contains an entry for this variant (Variation ID: 2734375). For these reasons, this variant has been classified as Pathogenic.

Fulgent Genetics
Classification: Pathogenic for Autosomal recessive congenital ichthyosis 4B; Autosomal recessive congenital ichthyosis 4A. Last evaluated: 2024-02-14. Review status: criteria provided, single submitter. Criteria: ACMG Guidelines, 2015. Collection method: clinical testing. Allele origin: germline.

Literature cited by the submitters: PubMed 20672373 (cited by Labcorp Genetics (formerly Invitae), Labcorp); PubMed 22992804 (cited by Labcorp Genetics (formerly Invitae), Labcorp); PubMed 29298786 (cited by Labcorp Genetics (formerly Invitae), Labcorp).